The following is an entry in ClinVar:

NM_001267550.2(TTN):c.90743T>C (p.Val30248Ala)

Genes: TTN (titin; minus strand), TTN-AS1 (TTN antisense RNA 1; plus strand). Cytogenetic location: 2q31.2.
Variant type: single nucleotide variant.
Coding change: c.90743T>C on transcript NM_001267550.2 (MANE Select); coding-DNA position 90743, T replaced by C.
Protein change: p.Val30248Ala; replaces valine 30248 with alanine.
Molecular consequence: missense variant.
Genome position (GRCh38, 1-based): chr2:178,552,157, A>G on the plus strand (T>C on the coding strand, the complement: TTN is on the minus strand). VCF-style: chr2-178552157-A-G. GRCh37 (hg19) VCF-style: chr2-179416884-A-G.
Other names: c.85820T>C, p.Val28607Ala (NM_001256850.1); c.63548T>C, p.Val21183Ala (NM_003319.4); c.83039T>C, p.Val27680Ala (NM_133378.4); c.63923T>C, p.Val21308Ala (NM_133432.3); c.64124T>C, p.Val21375Ala (NM_133437.4); short protein forms V21183A, V21308A, V21375A, V27680A, V28607A, V30248A.
Identifiers: ClinVar variation 3372494 (VCV003372494.1).
Genomic context (GRCh38, chr2:178,552,157, plus strand): 5'-GAAGTTTCCCGCTTCTCGATGCTGTAACAAGTAATTTCTCCTCCTCCATTATCTTCAGGT[A>G]CATCCCATGACAGGATGACACTATCAGCCTTGATTTCATCAAATCGAATGGGTCCTTTGG-3'
Protein context (NP_001254479.2, residues 30238-30258): KADSVILSWD[Val30248Ala]PEDNGGGEIT

ClinVar aggregate classification (germline): Uncertain significance (1 of 4 stars; one submission).

Submission:

GeneDx
Classification: Uncertain significance. Last evaluated: 2024-04-12. Review status: criteria provided, single submitter. Criteria: GeneDx Variant Classification Process June 2021. Collection method: clinical testing. Allele origin: germline. Affected: yes.
Comment: Not observed at significant frequency in large population cohorts (gnomAD); Missense variant in a gene in which most reported pathogenic variants are truncating/loss of function; Has not been previously published as pathogenic or benign to our knowledge